The following is an entry in ClinVar:

ClinVar aggregate classification (germline): Conflicting classifications of pathogenicity. Review status: criteria provided, conflicting classifications (1 of 4 stars). 6 submissions from 5 submitters: Uncertain significance (5); Benign (1). Last evaluated 2026-05-28.

Conditions:
Emery-Dreifuss muscular dystrophy 4, autosomal dominant (EDMD4). Also called: EMERY-DREIFUSS MUSCULAR DYSTROPHY 4 WITH VARIABLE FEATURES. Identifiers: Orphanet 261, MedGen C2751807, MONDO:0013071, OMIM 612998.
Autosomal recessive ataxia, Beauce type. Also called: Spinocerebellar ataxia, autosomal recessive 8; SYNE1 Deficiency; ATAXIA, RECESSIVE, OF BEAUCE; SYNE1-Related Autosomal Recessive Cerebellar Ataxia. Identifiers: Orphanet 88644, MedGen C1853116, MONDO:0012549, OMIM 610743.

Allele frequency attached by ClinVar (database versions not stated): gnomAD exomes 0.00002; ExAC 0.00003; gnomAD 0.00004; TOPMed 0.00005; ESP Exome Variant Server 0.00015.
gnomAD v4.1: 36 of 1,613,672 alleles (0.0022%); highest among the groups gnomAD compares: Middle Eastern, 0.016%; no homozygotes.

Submissions (6):

GeneDx
Classification: Uncertain significance. Last evaluated: 2026-05-28. Review status: criteria provided, single submitter. Criteria: GeneDx Variant Classification Process June 2021. Collection method: clinical testing. Allele origin: germline.
Comment: In silico analysis suggests that this missense variant does not alter protein structure/function; Has not been previously published as pathogenic or benign to our knowledge

Revvity Omics, Revvity
Classification: Uncertain significance. Last evaluated: 2024-10-28. Review status: criteria provided, single submitter. Criteria: ACMG Guidelines, 2015. Collection method: clinical testing. Allele origin: germline.

Labcorp Genetics (formerly Invitae), Labcorp
Classification: Uncertain significance for Emery-Dreifuss muscular dystrophy 4, autosomal dominant; Autosomal recessive ataxia, Beauce type. Last evaluated: 2022-08-23. Review status: criteria provided, single submitter. Criteria: Invitae Variant Classification Sherloc (09022015). Collection method: clinical testing. Allele origin: germline.
Comment: This sequence change replaces alanine, which is neutral and non-polar, with threonine, which is neutral and polar, at codon 6220 of the SYNE1 protein (p.Ala6220Thr). This variant is present in population databases (rs143594709, gnomAD 0.01%). This variant has not been reported in the literature in individuals affected with SYNE1-related conditions. ClinVar contains an entry for this variant (Variation ID: 499970). Algorithms developed to predict the effect of missense changes on protein structure and function output the following: SIFT: "Tolerated"; PolyPhen-2: "Benign"; Align-GVGD: "Class C0". The threonine amino acid residue is found in multiple mammalian species, which suggests that this missense change does not adversely affect protein function. In summary, the available evidence is currently insufficient to determine the role of this variant in disease. Therefore, it has been classified as a Variant of Uncertain Significance.

Illumina Laboratory Services, Illumina
Classification: Uncertain significance for Autosomal recessive ataxia, Beauce type. Last evaluated: 2018-01-12. Review status: criteria provided, single submitter. Criteria: ICSL Variant Classification Criteria 13 December 2019. Collection method: clinical testing. Allele origin: germline.

Illumina Laboratory Services, Illumina
Classification: Benign for Emery-Dreifuss muscular dystrophy 4, autosomal dominant. Last evaluated: 2018-01-12. Review status: criteria provided, single submitter. Criteria: ICSL Variant Classification Criteria 13 December 2019. Collection method: clinical testing. Allele origin: germline.
Comment: This variant was observed in the ICSL laboratory as part of a predisposition screen in an ostensibly healthy population. It had not been previously curated by ICSL or reported in the Human Gene Mutation Database (HGMD: prior to June 1st, 2018), and was therefore a candidate for classification through an automated scoring system. Utilizing variant allele frequency, disease prevalence and penetrance estimates, and inheritance mode, an automated score was calculated to assess if this variant is too frequent to cause the disease. Based on the score and internal cut-off values, a variant classified as benign is not then subjected to further curation. The score for this variant resulted in a classification of benign for this disease.

Eurofins Ntd Llc (ga)
Classification: Uncertain significance. Last evaluated: 2017-01-23. Review status: criteria provided, single submitter. Criteria: EGL Classification Definitions 2015. Collection method: clinical testing. Allele origin: germline. Observed: 1 variant allele, 1 heterozygote.

NM_182961.4(SYNE1):c.18871G>A (p.Ala6291Thr)

Gene: SYNE1 (spectrin repeat containing nuclear envelope protein 1; minus strand). Cytogenetic location: 6q25.2.
Variant type: single nucleotide variant.
Coding change: c.18871G>A on transcript NM_182961.4 (MANE Select); coding-DNA position 18871, G replaced by A.
Protein change: p.Ala6291Thr; replaces alanine 6291 with threonine.
Molecular consequence: missense variant.
Genome position (GRCh38, 1-based): chr6:152,262,133, C>T on the plus strand (G>A on the coding strand, the complement: SYNE1 is on the minus strand). VCF-style: chr6-152262133-C-T. GRCh37 (hg19) VCF-style: chr6-152583268-C-T.
Other names: c.18658G>A, p.Ala6220Thr (NM_033071.5); short protein forms A6220T, A6291T.
Identifiers: ClinVar variation 499970 (VCV000499970.15), dbSNP rs143594709, ClinGen allele CA4054825.